The following is an entry in ClinVar:

NM_000458.4(HNF1B):c.61dup (p.Val21fs)

Gene: HNF1B (HNF1 homeobox B; minus strand). Cytogenetic location: 17q12.
Variant type: Duplication.
Coding change: c.61dup on transcript NM_000458.4 (MANE Select); coding-DNA position 61, one base duplicated (G; older notation c.61dupG).
Protein change: p.Val21fs; shifts the reading frame from valine 21.
Molecular consequence: frameshift variant.
Genome position (GRCh38, 1-based): chr17:37,744,824, C duplicated on the plus strand (G on the coding strand, the reverse complement: HNF1B is on the minus strand); the first of 4 consecutive C bases (chr17:37,744,824-37,744,827); duplicating any one gives the same sequence. VCF-style (leftmost placement, unchanged base first): chr17-37744823-A-AC. GRCh37 (hg19) VCF-style: chr17-36104814-A-AC.
Other names: c.61dup, p.Val21fs (NM_001165923.4, NM_001304286.2); short protein forms V21fs.
Identifiers: ClinVar variation 975063 (VCV000975063.4), dbSNP rs2034124973, ClinGen allele CA1139665508.

ClinVar aggregate classification (germline): Pathogenic/Likely pathogenic. Review status: criteria provided, multiple submitters, no conflicts (2 of 4 stars). 2 submissions from 2 submitters: Pathogenic (1); Likely pathogenic (1). Last evaluated 2019-01-03.

Conditions:
Renal cysts and diabetes syndrome (RCAD). Also called: Familial hypoplastic, glomerulocystic kidney; MATURITY-ONSET DIABETES OF THE YOUNG, TYPE 5. Identifiers: Orphanet 93111, MedGen C0431693, MONDO:0007669, OMIM 137920.
Maturity-onset diabetes of the young (MODY). Also called: Maturity onset diabetes mellitus in young. Identifiers: Orphanet 552, MedGen C0342276, MONDO:0018911, HP:0004904.

Submissions (2):

Victorian Clinical Genetics Services, Murdoch Childrens Research Institute
Classification: Pathogenic for Renal cysts and diabetes syndrome. Last evaluated: 2019-01-03. Review status: criteria provided, single submitter. Criteria: ACMG Guidelines, 2015. Collection method: clinical testing. Allele origin: unknown. Affected: yes.
Comment: A heterozygous frameshift duplication variant, NM_000458.3(HNF1B):c.61dupG, has been identified in exon 1 of 9 of the HNF1B gene. This duplication is predicted to create a frameshift starting at amino acid position 21, introducing a stop codon 67 residues downstream (NP_000449.1(HNF1B):p.(Val21Glyfs*67)). This variant is predicted to result in loss of protein function through nonsense-mediated decay, which is a reported mechanism of pathogenicity for this gene. The variant is absent in population databases (gnomAD, dbSNP, 1000G). This variant has not been previously reported in clinical cases, however, other loss of function variants have previously been reported pathogenic in this gene (ClinVar). Based on the information available at the time of curation, this variant has been classified as PATHOGENIC.

Clinical Genomics, Uppaluri K&H Personalized Medicine Clinic
Classification: Likely pathogenic for Maturity-onset diabetes of the young. Review status: criteria provided, single submitter. Criteria: K & H Uppaluri Personalized Medicine Clinic Variant Classification & Assertion Criteria_Updated V.1. Collection method: research. Allele origin: unknown. Inheritance: Autosomal dominant inheritance.
Comment: HNF1B gene mutations are associated with early onset diabetes and pancreatic atrophy. It is also associated with multiple renal manifestations including renal cysts, Tubulointerstitial disease, glomerulocystic disease, renal hypoplasia, hypomagnesemia. However no sufficient evidence is found to ascertain the role of this particular variant rs2034124973, yet.

Literature cited by the submitters: PubMed 24897035 (cited by Clinical Genomics, Uppaluri K&H Personalized Medicine Clinic); PubMed 25536396 (cited by Clinical Genomics, Uppaluri K&H Personalized Medicine Clinic); PubMed 27615128 (cited by Clinical Genomics, Uppaluri K&H Personalized Medicine Clinic); PubMed 28215227 (cited by Clinical Genomics, Uppaluri K&H Personalized Medicine Clinic); PubMed 33434175 (cited by Clinical Genomics, Uppaluri K&H Personalized Medicine Clinic); PubMed 25741167 (cited by Clinical Genomics, Uppaluri K&H Personalized Medicine Clinic); PubMed 26340261 (cited by Clinical Genomics, Uppaluri K&H Personalized Medicine Clinic); PubMed 19639018 (cited by Clinical Genomics, Uppaluri K&H Personalized Medicine Clinic).